The following is an entry in ClinVar:

NM_144643.4(SCLT1):c.400C>T (p.Gln134Ter)

Gene: SCLT1 (sodium channel and clathrin linker 1; minus strand). Cytogenetic location: 4q28.2.
Variant type: single nucleotide variant.
Coding change: c.400C>T on transcript NM_144643.4 (MANE Select); coding-DNA position 400, C replaced by T.
Protein change: p.Gln134Ter; replaces glutamine 134 with a stop codon.
Molecular consequence: nonsense.
Genome position (GRCh38, 1-based): chr4:129,003,767, G>A on the plus strand (C>T on the coding strand, the complement: SCLT1 is on the minus strand). VCF-style: chr4-129003767-G-A. GRCh37 (hg19) VCF-style: chr4-129924922-G-A.
Other names: c.400C>T, p.Gln134Ter (NM_001410807.1); short protein forms Q134*.
Identifiers: ClinVar variation 4780565 (VCV004780565.1).

ClinVar aggregate classification (germline): Pathogenic (1 of 4 stars; one submission).

Submission:

Labcorp Genetics (formerly Invitae), Labcorp
Classification: Pathogenic. Last evaluated: 2025-06-10. Review status: criteria provided, single submitter. Criteria: Invitae Variant Classification Sherloc (09022015). Collection method: clinical testing. Allele origin: germline.
Comment: This sequence change creates a premature translational stop signal (p.Gln134*) in the SCLT1 gene. It is expected to result in an absent or disrupted protein product. Loss-of-function variants in SCLT1 are known to be pathogenic (PMID: 28005958). This variant is not present in population databases (gnomAD no frequency). This variant has not been reported in the literature in individuals affected with SCLT1-related conditions. For these reasons, this variant has been classified as Pathogenic.

Literature cited by the submitters: PubMed 28005958.